The following is an entry in ClinVar:

NM_001031689.3(PLAA):c.988G>C (p.Gly330Arg)

Gene: PLAA (phospholipase A2 activating protein; minus strand). Cytogenetic location: 9p21.2.
Variant type: single nucleotide variant.
Coding change: c.988G>C on transcript NM_001031689.3 (MANE Select); coding-DNA position 988, G replaced by C.
Protein change: p.Gly330Arg; replaces glycine 330 with arginine.
Molecular consequence: missense variant.
Genome position (GRCh38, 1-based): chr9:26,923,229, C>G on the plus strand (G>C on the coding strand, the complement: PLAA is on the minus strand). VCF-style: chr9-26923229-C-G. GRCh37 (hg19) VCF-style: chr9-26923227-C-G.
Other names: c.988G>C, p.Gly330Arg (NM_001321546.2); short protein forms G330R.
Identifiers: ClinVar variation 1486608 (VCV001486608.6), dbSNP rs2131386896, ClinGen allele CA373132842.
Genomic context (GRCh38, chr9:26,923,229, plus strand): 5'-AATACTTACCAGGTTCATTAAGATGTTCCCTCCCAGGAAGCTGCTCAGCATTGATGTCCC[C>G]TAAATCGCCAGTTTTAGAATCAATGGTTGCGTGAGACAGTTCTTTTTCAAAAGCCTTGAT-3'
Protein context (NP_001026859.1, residues 320-340): ATIDSKTGDL[Gly330Arg]DINAEQLPGR

ClinVar aggregate classification (germline): Uncertain significance (1 of 4 stars; one submission).

gnomAD v4.1: 1 of 1,613,478 alleles (0.000062%); no homozygotes.

Submission:

Labcorp Genetics (formerly Invitae), Labcorp
Classification: Uncertain significance. Last evaluated: 2022-07-06. Review status: criteria provided, single submitter. Criteria: Invitae Variant Classification Sherloc (09022015). Collection method: clinical testing. Allele origin: germline.
Comment: This variant is not present in population databases (gnomAD no frequency). In summary, the available evidence is currently insufficient to determine the role of this variant in disease. Therefore, it has been classified as a Variant of Uncertain Significance. Algorithms developed to predict the effect of missense changes on protein structure and function are either unavailable or do not agree on the potential impact of this missense change (SIFT: "Deleterious"; PolyPhen-2: "Probably Damaging"; Align-GVGD: "Class C0"). ClinVar contains an entry for this variant (Variation ID: 1486608). This variant has not been reported in the literature in individuals affected with PLAA-related conditions. This sequence change replaces glycine, which is neutral and non-polar, with arginine, which is basic and polar, at codon 330 of the PLAA protein (p.Gly330Arg).